The following is an entry in ClinVar:

ClinVar aggregate classification (germline): Uncertain significance (1 of 4 stars; one submission).

Conditions:
Hereditary cancer-predisposing syndrome. Also called: Hereditary neoplastic syndrome; Neoplastic Syndromes, Hereditary; Tumor predisposition; Hereditary Cancer Syndrome. Identifiers: Orphanet 140162, MedGen C0027672, MeSH D009386, MONDO:0015356.

gnomAD v4.1: 1 of 1,613,926 alleles (0.000062%); highest among the groups gnomAD compares: Non-Finnish European, 0.000085%; no homozygotes.

Submission:

Ambry Genetics
Classification: Uncertain significance for Hereditary cancer-predisposing syndrome. Last evaluated: 2025-02-05. Review status: criteria provided, single submitter. Criteria: Ambry Variant Classification Scheme 2023. Collection method: clinical testing. Allele origin: germline.
Comment: The p.E275A variant (also known as c.824A>C), located in coding exon 3 of the ALK gene, results from an A to C substitution at nucleotide position 824. The glutamic acid at codon 275 is replaced by alanine, an amino acid with dissimilar properties. This amino acid position is conserved. In addition, the in silico prediction for this alteration is inconclusive. Based on the available evidence, the clinical significance of this variant remains unclear.

NM_004304.5(ALK):c.824A>C (p.Glu275Ala)

Gene: ALK (ALK receptor tyrosine kinase; minus strand). Cytogenetic location: 2p23.2.
Variant type: single nucleotide variant.
Coding change: c.824A>C on transcript NM_004304.5 (MANE Select); coding-DNA position 824, A replaced by C.
Protein change: p.Glu275Ala; replaces glutamic acid 275 with alanine.
Molecular consequence: missense variant.
Genome position (GRCh38, 1-based): chr2:29,694,978, T>G on the plus strand (A>C on the coding strand, the complement: ALK is on the minus strand). VCF-style: chr2-29694978-T-G. GRCh37 (hg19) VCF-style: chr2-29917844-T-G.
Other names: short protein forms E275A.
Identifiers: ClinVar variation 3855652 (VCV003855652.1).